The following is an entry in ClinVar:

ClinVar aggregate classification (germline): Uncertain significance. Review status: criteria provided, multiple submitters, no conflicts (2 of 4 stars). 2 submissions from 2 submitters: Uncertain significance (2). Last evaluated 2025-12-23.

Conditions:
Spinocerebellar ataxia 45. Identifiers: Orphanet 589527, MedGen C4540400, MONDO:0033480, OMIM 617769.

Allele frequency attached by ClinVar (database versions not stated): gnomAD 0.00003 and 0.00004; TOPMed 0.00004; gnomAD exomes 0.00006 and 0.00007; ExAC 0.00007; ESP Exome Variant Server 0.00015.
gnomAD v4.1: 95 of 1,613,764 alleles (0.0059%); highest among the groups gnomAD compares: Middle Eastern, 0.016%; no homozygotes.

Submissions (2):

Women's Health and Genetics/Laboratory Corporation of America, LabCorp
Classification: Uncertain significance. Last evaluated: 2025-12-23. Review status: criteria provided, single submitter. Criteria: LabCorp Variant Classification Summary - May 2015. Collection method: clinical testing. Allele origin: germline.
Comment: Variant summary: FAT2 c.10673G>A (p.Arg3558Gln) results in a conservative amino acid change in the encoded protein sequence. Algorithms developed to predict the effect of missense changes on protein structure and function are either unavailable or do not agree on the potential impact of this missense change. The variant allele was found at a frequency of 6.8e-05 in 251022 control chromosomes. This frequency is not significantly higher than estimated for disease-causing variants in FAT2, allowing no conclusion about variant significance. c.10673G>A has been observed in an individual affected with symptoms of Spinocerebellar ataxia 45 (Jauss_2022). These data do not allow any conclusion about variant significance. To our knowledge, no experimental evidence demonstrating an impact on protein function has been reported. The following publication have been ascertained in the context of this evaluation (PMID: 36553572). ClinVar contains an entry for this variant (Variation ID: 982936). Based on the evidence outlined above, the variant was classified as uncertain significance.

Institute of Human Genetics, University of Leipzig Medical Center
Classification: Uncertain significance for Spinocerebellar ataxia 45. Last evaluated: 2019-01-01. Review status: criteria provided, single submitter. Criteria: ACMG Guidelines, 2015. Collection method: clinical testing. Allele origin: unknown. Affected: yes.

Literature cited by the submitters: PubMed 36553572 (cited by Women's Health and Genetics/Laboratory Corporation of America, LabCorp).

NM_001447.3(FAT2):c.10673G>A (p.Arg3558Gln)

Genes: FAT2 (FAT atypical cadherin 2; minus strand), SLC36A1 (solute carrier family 36 member 1; plus strand). Cytogenetic location: 5q33.1.
Variant type: single nucleotide variant.
Coding change: c.10673G>A on transcript NM_001447.3 (MANE Select); coding-DNA position 10673, G replaced by A.
Protein change: p.Arg3558Gln; replaces arginine 3558 with glutamine.
Molecular consequence: missense variant.
Genome position (GRCh38, 1-based): chr5:151,521,920, C>T on the plus strand (G>A on the coding strand, the complement: FAT2 is on the minus strand). VCF-style: chr5-151521920-C-T. GRCh37 (hg19) VCF-style: chr5-150901481-C-T.
Other names: short protein forms R3558Q.
Identifiers: ClinVar variation 982936 (VCV000982936.2), dbSNP rs137870998, ClinGen allele CA3520184.